The following is an entry in ClinVar:

NM_001099409.3(EHBP1L1):c.3291CAA[1] (p.Asn1098del)

Gene: EHBP1L1 (EH domain binding protein 1 like 1; plus strand). Cytogenetic location: 11q13.1.
Variant type: Microsatellite.
Coding change: c.3291CAA[1] on transcript NM_001099409.3 (MANE Select); one copy of the 3-base unit CAA starting at c.3291; the reference has two copies in a row; one copy, 3 bases deleted.
Protein change: p.Asn1098del; deletes asparagine 1098.
Genome position (GRCh38, 1-based): chr11:65,584,528-65,584,530, CAA deleted; deleting any 3 consecutive bases within chr11:65,584,523-65,584,530 gives the same sequence; the position shown is the placement nearest the transcript's 3' end. VCF-style (leftmost placement, unchanged base first): chr11-65584522-GAAC-G. GRCh37 (hg19) VCF-style: chr11-65351993-GAAC-G.
Other names: c.1017CAA[1], p.Asn340del (NM_001351087.2); short protein forms N1098del, N340del.
Identifiers: ClinVar variation 5043512 (VCV005043512.1).

ClinVar aggregate classification (germline): Likely pathogenic (1 of 4 stars; one submission).

Conditions:
Fetal anomalies with a likely genetic cause.

Submission:

Genetics Laboratory, Great Ormond Street Hospital NHS Foundation Trust, North Thames Genomic Laboratory Hub
Classification: Likely pathogenic for Fetal anomalies with a likely genetic cause. Last evaluated: 2026-09-25. Review status: criteria provided, single submitter. Criteria: ACGS Best Practice Guidelines for Variant Classification in Rare Disease 2024 v1.2. Collection method: clinical testing. Allele origin: germline. Affected: yes.
Comment: PM2_moderate, PM4_supporting, PM3_moderate, PP4_supporting